The following is an entry in ClinVar:

NM_015001.3(SPEN):c.10402C>T (p.Pro3468Ser)

Gene: SPEN (spen family transcriptional repressor; plus strand). Cytogenetic location: 1p36.13.
Variant type: single nucleotide variant.
Coding change: c.10402C>T on transcript NM_015001.3 (MANE Select); coding-DNA position 10402, C replaced by T.
Protein change: p.Pro3468Ser; replaces proline 3468 with serine.
Molecular consequence: missense variant.
Genome position (GRCh38, 1-based): chr1:15,937,538, C>T. VCF-style: chr1-15937538-C-T. GRCh37 (hg19) VCF-style: chr1-16264033-C-T.
Other names: short protein forms P3468S.
Identifiers: ClinVar variation 3036108 (VCV003036108.2), dbSNP rs1403114078, ClinGen allele CA338663369.

ClinVar aggregate classification (germline): Uncertain significance (0 of 4 stars; one submission).

Conditions:
SPEN-related disorder. Also called: SPEN-related condition.

gnomAD v4.1: 2 of 1,614,136 alleles (0.00012%); highest among the groups gnomAD compares: Non-Finnish European, 0.00017%; no homozygotes.

Submission:

PreventionGenetics, part of Exact Sciences
Classification: Uncertain significance for SPEN-related condition. Last evaluated: 2024-02-09. Review status: no assertion criteria provided. Collection method: clinical testing. Allele origin: germline.
Comment: The SPEN c.10402C>T variant is predicted to result in the amino acid substitution p.Pro3468Ser. To our knowledge, this variant has not been reported in the literature or in a large population database, indicating this variant is rare. At this time, the clinical significance of this variant is uncertain due to the absence of conclusive functional and genetic evidence.